The following is an entry in ClinVar:

ClinVar aggregate classification (germline): Uncertain significance (1 of 4 stars; one submission).

Conditions:
Dyskeratosis congenita, autosomal recessive 5 (DKCB5). Identifiers: MedGen C3554656, MONDO:0014076, OMIM 615190.

gnomAD v4.1: 40 of 1,554,362 alleles (0.0026%); highest among the groups gnomAD compares: East Asian, 0.029%; no homozygotes.

Submission:

3billion
Classification: Uncertain significance for Dyskeratosis congenita, autosomal recessive 5. Last evaluated: 2023-08-30. Review status: criteria provided, single submitter. Criteria: ACMG Guidelines, 2015. Collection method: clinical testing. Allele origin: germline. Affected: yes.
Comment: The variant is not observed in the gnomAD v2.1.1 dataset. Predicted Consequence/Location: Intron variant Intron variant predicted in silico to alter splicing and result in a premature termination. However, the prediction score(Splice AI: 0.27) is not significant and therefore functional studies should be performed to observe the exact consequence. Therefore, this variant is classified as VUS according to the recommendation of ACMG/AMP guideline.

NM_001283009.2(RTEL1):c.1481+53C>T

Genes: RTEL1 (regulator of telomere elongation helicase 1; plus strand), RTEL1-TNFRSF6B (RTEL1-TNFRSF6B readthrough (NMD candidate); plus strand). Cytogenetic location: 20q13.33.
Variant type: single nucleotide variant.
Coding change: c.1481+53C>T on transcript NM_001283009.2 (MANE Select); 53 bases into the intron after coding-DNA position 1481, C replaced by T.
Molecular consequence: intron variant.
Genome position (GRCh38, 1-based): chr20:63,687,823, C>T. VCF-style: chr20-63687823-C-T. GRCh37 (hg19) VCF-style: chr20-62319176-C-T.
Other names: c.812+53C>T (NM_001283010.1); c.1553+53C>T (NM_032957.5); c.1481+53C>T (NM_016434.4).
Identifiers: ClinVar variation 3775529 (VCV003775529.1).
Genomic context (GRCh38, chr20:63,687,823, plus strand): 5'-ATGCAGATGTACGGGCCACCCCTGCCAGGGCCTGAGCACCGGTGACACCTCTGACATCAG[C>T]GGGGTGGAAGTGGTGGGGGTCCCCATGAGCCGGGTGCTGGGGGTCTCGGGCCTCGAGGGC-3'